The following is an entry in ClinVar:

ClinVar aggregate classification (germline): Conflicting classifications of pathogenicity. Review status: criteria provided, conflicting classifications (1 of 4 stars). 5 submissions from 4 submitters: Uncertain significance (2); Benign (1); Likely benign (1). 1 of the submissions does not count toward it. Last evaluated 2026-01-25.

Conditions:
Periodontitis, aggressive. Identifiers: MedGen C0031106, MONDO:0980757.
Papillon-Lefèvre syndrome (PALS). Also called: KERATOSIS PALMOPLANTARIS WITH PERIODONTOPATHIA; Papillon-Lefevre Disease. Identifiers: Orphanet 678, MedGen C0030360, MONDO:0009490, OMIM 245000.
Haim-Munk syndrome (HMS). Also called: KERATOSIS PALMOPLANTARIS WITH PERIODONTOPATHIA AND ONYCHOGRYPOSIS; COCHIN JEWISH DISORDER. Identifiers: Orphanet 2342, MedGen C1855627, MONDO:0009491, OMIM 245010.
CTSC-related disorder. Also called: CTSC-related disorders; CTSC-related condition. Identifiers: MedGen CN375926, MONDO:0800465.

Allele frequency attached by ClinVar (database versions not stated): gnomAD 0.00006; TOPMed 0.00009; ExAC 0.00012; gnomAD exomes 0.00016; ESP Exome Variant Server 0.00023.
gnomAD v4.1: 128 of 1,613,934 alleles (0.0079%); highest among the groups gnomAD compares: Non-Finnish European, 0.002%; 1 homozygote.

Submissions (5):

Labcorp Genetics (formerly Invitae), Labcorp
Classification: Benign for Haim-Munk syndrome; Periodontitis, aggressive; Papillon-Lefèvre syndrome. Last evaluated: 2026-01-25. Review status: criteria provided, single submitter. Criteria: Invitae Variant Classification Sherloc (09022015). Collection method: clinical testing. Allele origin: germline.

Blueprint Genetics
Classification: Likely benign. Last evaluated: 2024-10-02. Review status: criteria provided, single submitter. Criteria: ACMG Guidelines, 2015. Collection method: clinical testing. Allele origin: germline.

Illumina Laboratory Services, Illumina
Classification: Uncertain significance for Haim-Munk syndrome. Last evaluated: 2018-01-13. Review status: criteria provided, single submitter. Criteria: ICSL Variant Classification Criteria 13 December 2019. Collection method: clinical testing. Allele origin: germline.

Illumina Laboratory Services, Illumina
Classification: Uncertain significance for Papillon-Lefèvre syndrome. Last evaluated: 2018-01-13. Review status: criteria provided, single submitter. Criteria: ICSL Variant Classification Criteria 13 December 2019. Collection method: clinical testing. Allele origin: germline.

PreventionGenetics, part of Exact Sciences
Classification: Likely benign for CTSC-related condition. Last evaluated: 2022-05-11. Review status: no assertion criteria provided. Collection method: clinical testing. Allele origin: germline. Not counted in ClinVar's aggregate classification.
Comment: This variant is classified as likely benign based on ACMG/AMP sequence variant interpretation guidelines (Richards et al. 2015 PMID: 25741868, with internal and published modifications).

NM_001814.6(CTSC):c.948G>C (p.Leu316=)

Gene: CTSC (cathepsin C; minus strand). Cytogenetic location: 11q14.2.
Variant type: single nucleotide variant.
Coding change: c.948G>C on transcript NM_001814.6 (MANE Select); coding-DNA position 948, G replaced by C.
Protein change: p.Leu316=; no amino-acid change (leucine 316 retained).
Molecular consequence: synonymous variant.
Genome position (GRCh38, 1-based): chr11:88,294,450, C>G on the plus strand (G>C on the coding strand, the complement: CTSC is on the minus strand). VCF-style: chr11-88294450-C-G. GRCh37 (hg19) VCF-style: chr11-88027618-C-G.
Other names: c.948G>C (LRG_50t1).
Identifiers: ClinVar variation 306422 (VCV000306422.18), dbSNP rs145373075, ClinGen allele CA6219798.
Genomic context (GRCh38, chr11:88,294,450, plus strand): 5'-GTCTTCCTTCATTTTGCATGGAGAATCAGTGCCTGTGTAGGGGAAGCAAGCTTCTTCCAC[C>G]AGCCCAAAATCTTGGGCGTACTTTCCTGCAATAAGGTATGGGAAGCCGCCTTCACAGCCT-3'
Protein context (NP_001805.4, residues 306-326): IAGKYAQDFG[Leu316=]VEEACFPYTG